The following is an entry in ClinVar:

ClinVar aggregate classification (germline): Uncertain significance (1 of 4 stars; one submission).

Conditions:
Oto-palato-digital syndrome, type II (OPD2). Also called: FACIOPALATOOSSEOUS SYNDROME; OPD II SYNDROME; Otopalatodigital Syndrome, Type II; Otopalatodigital Syndrome Type 2 (FLNA-OPD2). Identifiers: Orphanet 669, Orphanet 90652, MedGen C1844696, MONDO:0010571, OMIM 304120.
Heterotopia, periventricular, X-linked dominant (PVNH1). Also called: PERIVENTRICULAR NODULAR HETEROTOPIA 1; X-linked periventricular heterotopia; PERIVENTRICULAR NODULAR HETEROTOPIA 4; HETEROTOPIA, PERIVENTRICULAR, 1. Identifiers: Orphanet 2149, Orphanet 82004, MedGen C1848213, MONDO:0010233, OMIM 300049.
Frontometaphyseal dysplasia (FMD1). Identifiers: Orphanet 1826, MedGen C0265293, MONDO:0015942.
Melnick-Needles syndrome (MNS). Also called: MELNICK-NEEDLES OSTEODYSPLASTY; OSTEODYSPLASTY OF MELNICK AND NEEDLES; Melnick-Needles Syndrome (FLNA-MNS). Identifiers: Orphanet 2484, MedGen C0025237, MONDO:0010650, OMIM 309350.

Submission:

Labcorp Genetics (formerly Invitae), Labcorp
Classification: Uncertain significance for Oto-palato-digital syndrome, type II; Heterotopia, periventricular, X-linked dominant; Frontometaphyseal dysplasia; Melnick-Needles syndrome. Last evaluated: 2025-08-18. Review status: criteria provided, single submitter. Criteria: Invitae Variant Classification Sherloc (09022015). Collection method: clinical testing. Allele origin: germline.
Comment: This sequence change falls in intron 37 of the FLNA gene. It does not directly change the encoded amino acid sequence of the FLNA protein. This variant is not present in population databases (gnomAD no frequency). This variant has not been reported in the literature in individuals affected with FLNA-related conditions. ClinVar contains an entry for this variant (Variation ID: 2934642). Experimental studies and prediction algorithms are not available or were not evaluated, and the effect of this variant on mRNA splicing is currently unknown. In summary, the available evidence is currently insufficient to determine the role of this variant in disease. Therefore, it has been classified as a Variant of Uncertain Significance.

NM_001110556.2(FLNA):c.6227-18_6227-17insCCTGTCCTAGGTGCTAGGACCTA

Gene: FLNA (filamin A; minus strand). Cytogenetic location: Xq28.
Variant type: Insertion.
Coding change: c.6227-18_6227-17insCCTGTCCTAGGTGCTAGGACCTA on transcript NM_001110556.2 (MANE Select); 18 bases into the intron before coding-DNA position 6227 through 17 bases into the intron before coding-DNA position 6227, CCTGTCCTAGGTGCTAGGACCTA inserted.
Molecular consequence: intron variant.
Genome position: GRCh38 VCF-style: chrX-154352941-C-CTAGGTCCTAGCACCTAGGACAGG. GRCh37 (hg19) VCF-style: chrX-153581309-C-CTAGGTCCTAGCACCTAGGACAGG.
Other names: c.6203-18_6203-17insCCTGTCCTAGGTGCTAGGACCTA (NM_001456.4).
Identifiers: ClinVar variation 2934642 (VCV002934642.3), dbSNP rs2067632154, ClinGen allele CA2466653132.